The following is an entry in ClinVar:

ClinVar aggregate classification (germline): Uncertain significance. Review status: criteria provided, multiple submitters, no conflicts (2 of 4 stars). 3 submissions from 3 submitters: Uncertain significance (3). Last evaluated 2024-05-18.

Conditions:
Hereditary cancer-predisposing syndrome. Also called: Tumor predisposition; Hereditary neoplastic syndrome; Neoplastic Syndromes, Hereditary; Hereditary Cancer Syndrome. Identifiers: Orphanet 140162, MedGen C0027672, MeSH D009386, MONDO:0015356.
Birt-Hogg-Dube syndrome. Also called: Birt Hogg Dubé syndrome. Identifiers: Orphanet 122, MedGen C0346010, MONDO:0800444.

Submissions (3):

Ambry Genetics
Classification: Uncertain significance for Hereditary cancer-predisposing syndrome. Last evaluated: 2024-05-18. Review status: criteria provided, single submitter. Criteria: Ambry Variant Classification Scheme 2023. Collection method: clinical testing. Allele origin: germline.
Comment: The p.H564Q variant (also known as c.1692C>G), located in coding exon 11 of the FLCN gene, results from a C to G substitution at nucleotide position 1692. The histidine at codon 564 is replaced by glutamine, an amino acid with highly similar properties. This amino acid position is conserved. In addition, the in silico prediction for this alteration is inconclusive. Based on the available evidence, the clinical significance of this variant remains unclear.

Baylor Genetics
Classification: Uncertain significance for Birt-Hogg-Dube syndrome 1. Last evaluated: 2023-06-23. Review status: criteria provided, single submitter. Criteria: ACMG Guidelines, 2015. Collection method: clinical testing. Allele origin: unknown.

Labcorp Genetics (formerly Invitae), Labcorp
Classification: Uncertain significance for Birt-Hogg-Dube syndrome. Last evaluated: 2023-04-20. Review status: criteria provided, single submitter. Criteria: Invitae Variant Classification Sherloc (09022015). Collection method: clinical testing. Allele origin: germline.
Comment: In summary, the available evidence is currently insufficient to determine the role of this variant in disease. Therefore, it has been classified as a Variant of Uncertain Significance. Advanced modeling of protein sequence and biophysical properties (such as structural, functional, and spatial information, amino acid conservation, physicochemical variation, residue mobility, and thermodynamic stability) performed at Invitae indicates that this missense variant is not expected to disrupt FLCN protein function. ClinVar contains an entry for this variant (Variation ID: 2037757). This variant has not been reported in the literature in individuals affected with FLCN-related conditions. This variant is not present in population databases (gnomAD no frequency). This sequence change replaces histidine, which is basic and polar, with glutamine, which is neutral and polar, at codon 564 of the FLCN protein (p.His564Gln).

NM_144997.7(FLCN):c.1692C>G (p.His564Gln)

Gene: FLCN (folliculin; minus strand). Cytogenetic location: 17p11.2.
Variant type: single nucleotide variant.
Coding change: c.1692C>G on transcript NM_144997.7 (MANE Select); coding-DNA position 1692, C replaced by G.
Protein change: p.His564Gln; replaces histidine 564 with glutamine.
Molecular consequence: missense variant.
Genome position (GRCh38, 1-based): chr17:17,213,703, G>C on the plus strand (C>G on the coding strand, the complement: FLCN is on the minus strand). VCF-style: chr17-17213703-G-C. GRCh37 (hg19) VCF-style: chr17-17117017-G-C.
Other names: c.1746C>G, p.His582Gln (NM_001353229.2); c.1692C>G, p.His564Gln (NM_001353230.2, NM_001353231.2); short protein forms H564Q, H582Q.
Identifiers: ClinVar variation 2037757 (VCV002037757.5), dbSNP rs201810397, ClinGen allele CA398529838.